The following is an entry in ClinVar:

ClinVar aggregate classification (germline): Uncertain significance (1 of 4 stars; one submission).

Conditions:
Hereditary cancer-predisposing syndrome. Also called: Neoplastic Syndromes, Hereditary; Tumor predisposition; Hereditary Cancer Syndrome; Hereditary neoplastic syndrome. Identifiers: Orphanet 140162, MedGen C0027672, MeSH D009386, MONDO:0015356.

gnomAD v4.1: 1 of 1,614,066 alleles (0.000062%); highest among the groups gnomAD compares: South Asian, 0.0011%; no homozygotes.

Submission:

Ambry Genetics
Classification: Uncertain significance for Hereditary cancer-predisposing syndrome. Last evaluated: 2026-05-14. Review status: criteria provided, single submitter. Criteria: Ambry Variant Classification Scheme 2023. Collection method: clinical testing. Allele origin: germline.
Comment: The p.F366L variant (also known as c.1096T>C), located in coding exon 7 of the BRIP1 gene, results from a T to C substitution at nucleotide position 1096. The phenylalanine at codon 366 is replaced by leucine, an amino acid with highly similar properties. This amino acid position is conserved. In addition, the in silico prediction for this alteration is inconclusive. Based on the available evidence, the clinical significance of this variant remains unclear.

NM_032043.3(BRIP1):c.1096T>C (p.Phe366Leu)

Gene: BRIP1 (BRCA1 interacting DNA helicase 1; minus strand). Cytogenetic location: 17q23.2.
Variant type: single nucleotide variant.
Coding change: c.1096T>C on transcript NM_032043.3 (MANE Select); coding-DNA position 1096, T replaced by C.
Protein change: p.Phe366Leu; replaces phenylalanine 366 with leucine.
Molecular consequence: missense variant.
Genome position (GRCh38, 1-based): chr17:61,801,297, A>G on the plus strand (T>C on the coding strand, the complement: BRIP1 is on the minus strand). VCF-style: chr17-61801297-A-G. GRCh37 (hg19) VCF-style: chr17-59878658-A-G.
Other names: short protein forms F366L.
Identifiers: ClinVar variation 4867927 (VCV004867927.1).